The following is an entry in ClinVar:

NM_000709.4(BCKDHA):c.1337G>C (p.Ter446Ser)

Gene: BCKDHA (branched chain keto acid dehydrogenase E1 subunit alpha; plus strand). Cytogenetic location: 19q13.2.
Variant type: single nucleotide variant.
Coding change: c.1337G>C on transcript NM_000709.4 (MANE Select); coding-DNA position 1337, G replaced by C.
Protein change: p.Ter446Ser.
Molecular consequence: stop lost.
Genome position (GRCh38, 1-based): chr19:41,424,607, G>C. VCF-style: chr19-41424607-G-C. GRCh37 (hg19) VCF-style: chr19-41930512-G-C.
Other names: c.1334G>C, p.Ter445Ser (NM_001164783.2).
Identifiers: ClinVar variation 5004513 (VCV005004513.1).

ClinVar aggregate classification (germline): Uncertain significance (1 of 4 stars; one submission).

Conditions:
Maple syrup urine disease type 1A (MSUD1A). Also called: MSUD type 1A. Identifiers: MedGen C1855369, MONDO:0023691, OMIM 248600.

Submission:

Myriad Genetics, Inc.
Classification: Uncertain significance for Maple syrup urine disease type 1A. Last evaluated: 2026-03-06. Review status: criteria provided, single submitter. Criteria: Myriad Autosomal Dominant, Autosomal Recessive and X-Linked Classification Criteria (2023). Collection method: clinical testing. Allele origin: unknown.
Comment: NM_000709.3(BCKDHA):c.1337G>C(*446Sext*16) is a stop-loss variant classified as a variant of uncertain significance in the context of maple syrup urine disease type Ia. *446Sext*16 has not been observed in cases with relevant disease. Relevant functional assessments of this variant are not available in the literature. *446Sext*16 has not been observed in referenced population frequency databases. In summary, there is insufficient evidence to classify NM_000709.3(BCKDHA):c.1337G>C(*446Sext*16) as pathogenic or benign. Please note: this variant was assessed in the context of healthy population screening.